The following is an entry in ClinVar:

ClinVar aggregate classification (germline): Conflicting classifications of pathogenicity. Review status: criteria provided, conflicting classifications (1 of 4 stars). 4 submissions from 4 submitters: Pathogenic (2); Likely pathogenic (1); Uncertain significance (1). Last evaluated 2024-08-15.

Conditions:
CTSK-related disorder. Also called: CTSK-related condition.
Pyknodysostosis. Also called: Pycnodysostosis. Identifiers: Orphanet 763, MedGen C0238402, MONDO:0009940, OMIM 265800.

Submissions (4):

Women's Health and Genetics/Laboratory Corporation of America, LabCorp
Classification: Pathogenic for Pyknodysostosis. Last evaluated: 2024-08-15. Review status: criteria provided, single submitter. Criteria: LabCorp Variant Classification Summary - May 2015. Collection method: clinical testing. Allele origin: germline.
Comment: Variant summary: CTSK c.505G>A (p.Asp169Asn) results in a conservative amino acid change located in the Peptidase C1A, papain C-terminal domain (IPR000668) of the encoded protein sequence. Four of five in-silico tools predict a damaging effect of the variant on protein function. The variant was absent in 251440 control chromosomes. c.505G>A has been reported in the literature in multiple homozygous individuals affected with Pyknodysostosis (e.g. Arman_2014, Unsal_2023). These data indicate that the variant is very likely to be associated with disease. To our knowledge, no experimental evidence demonstrating an impact on protein function has been reported. The following publications have been ascertained in the context of this evaluation (PMID: 37809147, 24767306). ClinVar contains an entry for this variant (Variation ID: 1403033). Based on the evidence outlined above, the variant was classified as pathogenic.

GeneDx
Classification: Likely pathogenic. Last evaluated: 2024-02-05. Review status: criteria provided, single submitter. Criteria: GeneDx Variant Classification Process June 2021. Collection method: clinical testing. Allele origin: germline. Affected: yes.
Comment: Not observed at significant frequency in large population cohorts (gnomAD); In silico analysis supports that this missense variant has a deleterious effect on protein structure/function; This variant is associated with the following publications: (PMID: 35186389, 28651365, 24767306, 37809147)

Blueprint Genetics
Classification: Pathogenic for CTSK-related disorders. Last evaluated: 2023-12-29. Review status: criteria provided, single submitter. Criteria: ACMG Guidelines, 2015. Collection method: clinical testing. Allele origin: germline. Affected: yes. Observed: 1 variant allele.

Labcorp Genetics (formerly Invitae), Labcorp
Classification: Uncertain significance. Last evaluated: 2021-05-21. Review status: criteria provided, single submitter. Criteria: Invitae Variant Classification Sherloc (09022015). Collection method: clinical testing. Allele origin: germline.
Comment: In summary, the available evidence is currently insufficient to determine the role of this variant in disease. Therefore, it has been classified as a Variant of Uncertain Significance. Advanced modeling of protein sequence and biophysical properties (such as structural, functional, and spatial information, amino acid conservation, physicochemical variation, residue mobility, and thermodynamic stability) performed at Invitae indicates that this missense variant is expected to disrupt CTSK protein function. This variant has been observed in individual(s) with pycnodysostosis (PMID: 24767306). This variant is not present in population databases (ExAC no frequency). This sequence change replaces aspartic acid with asparagine at codon 169 of the CTSK protein (p.Asp169Asn). The aspartic acid residue is highly conserved and there is a small physicochemical difference between aspartic acid and asparagine.

Literature cited by the submitters: PubMed 24767306 (cited by Women's Health and Genetics/Laboratory Corporation of America, LabCorp and Labcorp Genetics (formerly Invitae), Labcorp); PubMed 37809147 (cited by Women's Health and Genetics/Laboratory Corporation of America, LabCorp).

NM_000396.4(CTSK):c.505G>A (p.Asp169Asn)

Gene: CTSK (cathepsin K; minus strand). Cytogenetic location: 1q21.3.
Variant type: single nucleotide variant.
Coding change: c.505G>A on transcript NM_000396.4 (MANE Select); coding-DNA position 505, G replaced by A.
Protein change: p.Asp169Asn; replaces aspartic acid 169 with asparagine.
Molecular consequence: missense variant.
Genome position (GRCh38, 1-based): chr1:150,804,134, C>T on the plus strand (G>A on the coding strand, the complement: CTSK is on the minus strand). VCF-style: chr1-150804134-C-T. GRCh37 (hg19) VCF-style: chr1-150776610-C-T.
Other names: c.505G>A (NM_000396.3); short protein forms D169N.
Identifiers: ClinVar variation 1403033 (VCV001403033.11), dbSNP rs2101951545, ClinGen allele CA342336574.
Genomic context (GRCh38, chr1:150,804,134, plus strand): 5'-CATATTGGAAGGCATTGGTCATGTAGCCCCCTCCACAGCCATCATTCTCAGACACACAAT[C>T]CACTAGGTTCTGGGGACTCAGATTTAAGAGTTTGCCAGTTTTCTTCTTGAGTTGGCCCTC-3'
Protein context (NP_000387.1, residues 159-179): LLNLSPQNLV[Asp169Asn]CVSENDGCGG